The following is an entry in ClinVar:

NM_000432.4(MYL2):c.37G>A (p.Ala13Thr)

Genes: MYL2 (myosin light chain 2; minus strand), LOC114827850 (VISTA enhancer hs2149; plus strand). Cytogenetic location: 12q24.11.
Variant type: single nucleotide variant.
Coding change: c.37G>A on transcript NM_000432.4 (MANE Select); coding-DNA position 37, G replaced by A.
Protein change: p.Ala13Thr; replaces alanine 13 with threonine.
Molecular consequence: missense variant.
Genome position (GRCh38, 1-based): chr12:110,919,160, C>T on the plus strand (G>A on the coding strand, the complement: MYL2 is on the minus strand). VCF-style: chr12-110919160-C-T. GRCh37 (hg19) VCF-style: chr12-111356964-C-T.
Other names: p.A13T:GCC>ACC; short protein forms A13T.
Identifiers: ClinVar variation 14064 (VCV000014064.61), dbSNP rs104894363, ClinGen allele CA010242.

ClinVar aggregate classification (germline): Conflicting classifications of pathogenicity. Review status: criteria provided, conflicting classifications (1 of 4 stars). 22 submissions from 22 submitters: Uncertain significance (9); Benign (2); Likely benign (6). 5 of the submissions do not count toward it. Last evaluated 2026-01-27.

Conditions:
MYL2-related disorder. Also called: MYL2-related condition; MYL2-related disease; MYL2-related disorders.
Cardiovascular phenotype. Identifiers: MedGen CN230736.
Cardiomyopathy (CMYO). Also called: Cardiomyopathies. Identifiers: Orphanet 167848, MedGen C0878544, MONDO:0004994, HP:0001638. Inheritance: Various modes of inheritance.
Hypertrophic cardiomyopathy 1 (CMH1). Also called: MYH7-Related Familial Hypertrophic Cardiomyopathy; Familial hypertrophic cardiomyopathy 1. Identifiers: MedGen C3495498, MONDO:0008647, OMIM 192600.
Hypertrophic cardiomyopathy 10. Also called: MYL2-Related Familial Hypertrophic Cardiomyopathy; CARDIOMYOPATHY, HYPERTROPHIC, MID-LEFT VENTRICULAR CHAMBER TYPE, 2. Identifiers: MedGen C1834460, MONDO:0012112, OMIM 608758.
Primary familial hypertrophic cardiomyopathy (HCM). Identifiers: Orphanet 99739, MedGen C0949658, MeSH D024741, MONDO:0024573. Inheritance: Various modes of inheritance.
Hypertrophic cardiomyopathy. Also called: HYPERTROPHIC MYOCARDIOPATHY. Identifiers: Orphanet 217569, MedGen C0007194, MeSH D002312, MONDO:0005045, HP:0001639.

Allele frequency attached by ClinVar (database versions not stated): 1000 Genomes Project 30x 0.00016; 1000 Genomes Project 0.00020; gnomAD 0.00020; gnomAD exomes 0.00022 and 0.00037; TOPMed 0.00022; ExAC 0.00031.
gnomAD v4.1: 358 of 1,613,650 alleles (0.022%); highest among the groups gnomAD compares: Non-Finnish European, 0.015%; 1 homozygote.

Submissions 1 to 8 of 22:

Labcorp Genetics (formerly Invitae), Labcorp
Classification: Likely benign for Hypertrophic cardiomyopathy 10. Last evaluated: 2026-01-27. Review status: criteria provided, single submitter. Criteria: Invitae Variant Classification Sherloc (09022015). Collection method: clinical testing. Allele origin: germline.

Women's Health and Genetics/Laboratory Corporation of America, LabCorp
Classification: Likely benign. Last evaluated: 2026-01-26. Review status: criteria provided, single submitter. Criteria: LabCorp Variant Classification Summary - May 2015. Collection method: clinical testing. Allele origin: germline.
Comment: Variant summary: MYL2 c.37G>A (p.Ala13Thr) results in a non-conservative amino acid change in the encoded protein sequence. Algorithms developed to predict the effect of missense changes on protein structure and function are either unavailable or do not agree on the potential impact of this missense change. The variant allele was found at a frequency of 0.00036 in 252400 control chromosomes. The observed variant frequency exceeds the estimated maximal expected allele frequency for disease-causing variants in MYL2. c.37G>A has been observed in individual(s) affected with Hypertrophic Cardiomyopathy (example, Wenderholm_2025, Poetter_1996, Hougs_2005, Klaassen_2008, Andersen_2001). These data do not allow any conclusion about variant significance. At least one publication reports experimental evidence evaluating an impact on protein function. The most pronounced variant effect results in >50%-90% of normal activity (Kazmierczak_2011, Szczesna_2001) . The following publications have been ascertained in the context of this evaluation (PMID: 15483641, 19150977, 11748309, 9742053,11133219, 21415409, 22091967, 18506004, 10494800, 8673105, 12668451, 16076902, 14594949, 11102452, 15706574, 16837010, 39486665). ClinVar contains an entry for this variant (Variation ID: 14064). Based on the evidence outlined above, the variant was classified as likely benign.

PreventionGenetics, part of Exact Sciences
Classification: Likely benign for MYL2-related condition. Last evaluated: 2025-04-16. Review status: criteria provided, single submitter. Criteria: ACMG Guidelines, 2015. Collection method: clinical testing. Allele origin: germline.
Comment: This variant is classified as likely benign based on ACMG/AMP sequence variant interpretation guidelines (Richards et al. 2015 PMID: 25741868, with internal and published modifications).

Molecular Diagnostic Laboratory for Inherited Cardiovascular Disease, Montreal Heart Institute
Classification: Uncertain significance for Cardiovascular phenotype. Last evaluated: 2025-04-08. Review status: criteria provided, single submitter. Criteria: ACMG Guidelines, 2015. Collection method: clinical testing. Allele origin: germline. Affected: yes.
Comment: PS3_mod, PP2, BS1, BS4

GeneDx
Classification: Uncertain significance. Last evaluated: 2024-09-23. Review status: criteria provided, single submitter. Criteria: GeneDx Variant Classification Process June 2021. Collection method: clinical testing. Allele origin: germline. Affected: yes.
Comment: Identified independently and in conjunction with additional cardiogenetic variants in individuals referred for cardiomyopathy at GeneDx and in published literature (PMID: 8673105, 11748309, 15483641, 22958901, 18506004, 28223422); Published functional studies demonstrate a damaging effect (PMID: 12668451, 11102452, 14594949, 22091967, 26664906); nevertheless, it is unclear how these studies may translate to a pathogenic role in human disease; In silico analysis indicates that this missense variant does not alter protein structure/function; This variant is associated with the following publications: (PMID: 14594949, 23785128, 23299917, 26074085, 30605904, 24055113, 23861362, 25637381, 25333069, 11102452, 25324513, 11748309, 27153395, 26385864, 27084718, 28510043, 26664906, 28223422, 23197161, 24111713, 26272908, 28518168, 23365102, 28467684, 22958901, 25351510, 31019283, 18506004, 30706179, 33232181, 31980526, 22091967, 22797899, 8673105, 35653365, 15483641, 12668451, 37652022)

Blueprint Genetics
Classification: Likely benign. Last evaluated: 2024-09-12. Review status: criteria provided, single submitter. Criteria: ACMG Guidelines, 2015. Collection method: clinical testing. Allele origin: germline.

ARUP Laboratories, Molecular Genetics and Genomics, ARUP Laboratories
Classification: Uncertain significance. Last evaluated: 2022-06-28. Review status: criteria provided, single submitter. Criteria: ARUP Molecular Germline Variant Investigation Process 2021. Collection method: clinical testing. Allele origin: germline.
Comment: The MYL2 c.37G>A; p.Ala13Thr variant (rs104894363) is reported in the literature in individuals and families affected with hypertrophic cardiomyopathy, but does not segregate with disease in all affected family members (Ball 2012, Hougs 2005, Klaassen 2008, Li 2017, Mook 2013). This variant is also reported in ClinVar (Variation ID: 14064), and is found in the Ashkenazi Jewish population with an allele frequency of 0.54% (56/10360 alleles) in the Genome Aggregation Database. The alanine at codon 13 is moderately conserved, and computational analyses are uncertain whether this variant is neutral or deleterious (REVEL: 0.532). Functional studies of the variant protein show this variant may affect contractile function and actin filament velocity in cardiac cells (Farman 2014, Roopnarine 2003, Szczesna 2001, Szczesna-Cordary 2004). Due to conflicting information, the clinical significance of this variant is uncertain at this time. References: Ball MP et al. A public resource facilitating clinical use of genomes. Proc Natl Acad Sci U S A. 2012 Jul 24;109(30):11920-7. PMID: 22797899. Farman GP, Muthu P, Kazmierczak K, Szczesna-Cordary D, Moore JR. Impact of familial hypertrophic cardiomyopathy-linked mutations in the NH2 terminus of the RLC on beta-myosin cross-bridge mechanics. J Appl Physiol (1985). 2014 Dec 15;117(12):1471-7. PMID: 25324513. Hougs L et al. One third of Danish hypertrophic cardiomyopathy patients with MYH7 mutations have mutations in MYH7 rod region. Eur J Hum Genet. 2005 Feb;13(2):161-5. PMID: 15483641. Klaassen S et al. Mutations in sarcomere protein genes in left ventricular noncompaction. Circulation. 2008 Jun 3;117(22):2893-901. PMID: 18506004. Li L et al. A Potential Oligogenic Etiology of Hypertrophic Cardiomyopathy: A Classic Single-Gene Disorder. Circ Res. 2017 Mar 31;120(7):1084-1090. PMID: 28223422. Mook OR et al. Targeted sequence capture and GS-FLX Titanium sequencing of 23 hypertrophic and dilated cardiomyopathy genes: implementation into diagnostics. J Med Genet. 2013 Sep;50(9):614-26. PMID: 23785128. Roopnarine O. Mechanical defects of muscle fibers with myosin light chain mutants that cause cardiomyopathy. Biophys J. 2003 Apr;84(4):2440-9. PMID: 12668451. Szczesna D et al. Familial hypertrophic cardiomyopathy mutations in the regulatory light chains of myosin affect their structure, Ca2+ binding, and phosphorylation. J Biol Chem. 2001 Mar 9;276(10):7086-92. PMID: 11102452. Szczesna-Cordary D, Guzman G, Ng SS, Zhao J. Familial hypertrophic cardiomyopathy-linked alterations in Ca2+ binding of human cardiac myosin regulatory light chain affect cardiac muscle contraction. J Biol Chem. 2004 Jan 30;279(5):3535-42. PMID: 14594949.

CHEO Genetics Diagnostic Laboratory, Children's Hospital of Eastern Ontario
Classification: Uncertain significance for Cardiomyopathy. Last evaluated: 2022-02-11. Review status: criteria provided, single submitter. Criteria: ACMG Guidelines, 2015. Collection method: clinical testing. Allele origin: germline.